The following is an entry in ClinVar:

NM_000551.4(VHL):c.353T>G (p.Leu118Arg)

Genes: VHL (von Hippel-Lindau tumor suppressor; plus strand), LOC107303340 (3p25 von Hippel-Lindau tumor suppressor, E3 ubiquitin protein ligase Alu-mediated recombination region; plus strand). Cytogenetic location: 3p25.3.
Variant type: single nucleotide variant.
Coding change: c.353T>G on transcript NM_000551.4 (MANE Select); coding-DNA position 353, T replaced by G.
Protein change: p.Leu118Arg; replaces leucine 118 with arginine.
Molecular consequence: missense variant. On other transcripts: intron variant (2).
Genome position (GRCh38, 1-based): chr3:10,146,526, T>G. VCF-style: chr3-10146526-T-G. GRCh37 (hg19) VCF-style: chr3-10188210-T-G.
Other names: c.*18-3261T>G (NM_001354723.2); c.341-3261T>G (NM_198156.3); short protein forms L118R.
Identifiers: ClinVar variation 428802 (VCV000428802.9), dbSNP rs5030830, ClinGen allele CA351753694.
Genomic context (GRCh38, chr3:10,146,526, plus strand): 5'-GCCCAGCCACCGGTGTGGCTCTTTAACAACCTTTGCTTGTCCCGATAGGTCACCTTTGGC[T>G]CTTCAGAGATGCAGGGACACACGATGGGCTTCTGGTTAACCAAACTGAATTATTTGTGCC-3'
Protein context (NP_000542.1, residues 108-128): RIHSYRGHLW[Leu118Arg]FRDAGTHDGL

ClinVar aggregate classification (germline): Pathogenic. Review status: criteria provided, multiple submitters, no conflicts (2 of 4 stars). 2 submissions from 2 submitters: Pathogenic (2). Last evaluated 2023-05-21.

Conditions:
Hereditary cancer-predisposing syndrome. Also called: Hereditary neoplastic syndrome; Tumor predisposition; Neoplastic Syndromes, Hereditary; Hereditary Cancer Syndrome. Identifiers: Orphanet 140162, MedGen C0027672, MeSH D009386, MONDO:0015356.
Von Hippel-Lindau syndrome (VHLS). Also called: von Hippel–Lindau syndrome; Von Hippel-Lindau; VHL syndrome. Identifiers: Orphanet 892, MedGen C0019562, MONDO:0008667, OMIM 193300. Disease mechanism: loss of function.

Submissions (2):

Laboratory of Molecular and Cytogenetics, Department of Anatomy, All India Institute of Medical Sciences (AIIMS)
Classification: Pathogenic for Von Hippel-Lindau syndrome. Last evaluated: 2023-05-21. Review status: criteria provided, single submitter. Criteria: ACMG Guidelines, 2015. Collection method: clinical testing. Allele origin: germline. Affected: yes. Observed: 1 variant allele.

Ambry Genetics
Classification: Pathogenic for Hereditary cancer-predisposing syndrome. Last evaluated: 2023-05-12. Review status: criteria provided, single submitter. Criteria: Ambry Variant Classification Scheme 2023. Collection method: clinical testing. Allele origin: germline.
Comment: The p.L118R pathogenic mutation (also known as c.353T>G), located in coding exon 2 of the VHL gene, results from a T to G substitution at nucleotide position 353. The leucine at codon 118 is replaced by arginine, an amino acid with dissimilar properties. This alteration has been observed in at least one individual with a personal and/or family history that is consistent with VHL-related disease (Ambry internal data). This pathogenic mutation was reported as a germline mutation in a VHL family with pheochromocytomas. This study indicated that VHL gene missense mutation carriers have a higher risk of developing a pheochromocytomas than carriers of other types of VHL gene mutations (Maher ER et al. J. Med. Genet. 1996 Apr;33:328-32). Another study showed this mutation leads to a decreased affinity for the TRiC/CTT chaperonin which results in improper folding of the VHL protein (Feldman DE et al. Mol. Cell. 2003 Nov;12:1213-24). Authors of another study concurred that missense mutations in the VHL gene are associated with a higher risk of pheochromocytomas, however they divided missense mutations into two subgroups:surface missense amino acid substitution mutations (SM) and deep missense mutations (DM). Missense mutations in the SM group were found to be at a significantly higher risk for pheochromocytomas than missense mutations in the DM group. The p.L118R mutation was categorized as a DM due to its location in the protein core and the disruption of protein function (Ong KR et al. Hum. Mutat. 2007 Feb;28:143-9). Of note, this alteration is referred to as c.566T>G (p.L189R) in some literature. This alteration is predicted to be deleterious by BayesDel in silico analysis. This variant is considered to be rare based on population cohorts in the Genome Aggregation Database (gnomAD). Based on the supporting evidence, this alteration is interpreted as a disease-causing mutation.

Literature cited by the submitters: PubMed 14636579 (cited by Ambry Genetics); PubMed 17024664 (cited by Ambry Genetics); PubMed 8730290 (cited by Ambry Genetics); PubMed 9681856 (cited by Ambry Genetics).